The following is an entry in ClinVar:

NM_001371986.1(UNC80):c.5211+6G>C

Genes: UNC80 (unc-80 subunit of NALCN channel complex; plus strand), LOC126806490 (P300/CBP strongly-dependent group 1 enhancer GRCh37_chr2:210782411-210783610; plus strand). Cytogenetic location: 2q34.
Variant type: single nucleotide variant.
Coding change: c.5211+6G>C on transcript NM_001371986.1 (MANE Select); 6 bases into the intron after coding-DNA position 5211, G replaced by C.
Molecular consequence: intron variant.
Genome position (GRCh38, 1-based): chr2:209,917,964, G>C. VCF-style: chr2-209917964-G-C. GRCh37 (hg19) VCF-style: chr2-210782688-G-C.
Other names: c.5013+6G>C (NM_032504.2); c.4998+6G>C (NM_182587.4).
Identifiers: ClinVar variation 1524021 (VCV001524021.6), dbSNP rs1374975452, ClinGen allele CA764078122.

ClinVar aggregate classification (germline): Uncertain significance (1 of 4 stars; one submission).

Allele frequency attached by ClinVar (database versions not stated): TOPMed below 0.00001; gnomAD 0.00001.
gnomAD v4.1: 1 of 1,551,050 alleles (0.000064%); highest among the groups gnomAD compares: Admixed American, 0.002%; no homozygotes.

Submission:

Labcorp Genetics (formerly Invitae), Labcorp
Classification: Uncertain significance. Last evaluated: 2022-06-13. Review status: criteria provided, single submitter. Criteria: Invitae Variant Classification Sherloc (09022015). Collection method: clinical testing. Allele origin: germline.
Comment: This variant has not been reported in the literature in individuals affected with UNC80-related conditions. In summary, the available evidence is currently insufficient to determine the role of this variant in disease. Therefore, it has been classified as a Variant of Uncertain Significance. Variants that disrupt the consensus splice site are a relatively common cause of aberrant splicing (PMID: 17576681, 9536098). Algorithms developed to predict the effect of sequence changes on RNA splicing suggest that this variant is not likely to affect RNA splicing. This variant is not present in population databases (gnomAD no frequency). This sequence change falls in intron 31 of the UNC80 gene. It does not directly change the encoded amino acid sequence of the UNC80 protein. It affects a nucleotide within the consensus splice site.

Literature cited by the submitters: PubMed 17576681; PubMed 9536098.